The following is an entry in ClinVar:

ClinVar aggregate classification (germline): Uncertain significance (1 of 4 stars; one submission).

Submission:

Mayo Clinic Laboratories, Mayo Clinic
Classification: Uncertain significance. Last evaluated: 2022-11-29. Review status: criteria provided, single submitter. Criteria: ACMG Guidelines, 2015. Collection method: clinical testing. Allele origin: germline. Observed: 1 variant allele.
Comment: PM2

NM_014845.6(FIG4):c.790G>A (p.Gly264Arg)

Gene: FIG4 (FIG4 phosphoinositide 5-phosphatase; plus strand). Cytogenetic location: 6q21.
Variant type: single nucleotide variant.
Coding change: c.790G>A on transcript NM_014845.6 (MANE Select); coding-DNA position 790, G replaced by A.
Protein change: p.Gly264Arg; replaces glycine 264 with arginine.
Molecular consequence: missense variant.
Genome position (GRCh38, 1-based): chr6:109,741,458, G>A. VCF-style: chr6-109741458-G-A. GRCh37 (hg19) VCF-style: chr6-110062661-G-A.
Other names: p.Gly264Arg; short protein forms G264R.
Identifiers: ClinVar variation 2682947 (VCV002682947.1), dbSNP rs2486132483, ClinGen allele CA365220822.